The following is an entry in ClinVar:

NM_006415.4(SPTLC1):c.1214G>A (p.Arg405His)

Gene: SPTLC1 (serine palmitoyltransferase long chain base subunit 1; minus strand). Cytogenetic location: 9q22.31.
Variant type: single nucleotide variant.
Coding change: c.1214G>A on transcript NM_006415.4 (MANE Select); coding-DNA position 1214, G replaced by A.
Protein change: p.Arg405His; replaces arginine 405 with histidine.
Molecular consequence: missense variant.
Genome position (GRCh38, 1-based): chr9:92,038,288, C>T on the plus strand (G>A on the coding strand, the complement: SPTLC1 is on the minus strand). VCF-style: chr9-92038288-C-T. GRCh37 (hg19) VCF-style: chr9-94800570-C-T.
Other names: c.1214G>A, p.Arg405His (NM_001281303.2); c.848G>A, p.Arg283His (NM_001368272.1); c.749G>A, p.Arg250His (NM_001368273.1); short protein forms R405H, R250H, R283H.
Identifiers: ClinVar variation 526709 (VCV000526709.10), dbSNP rs567541925, ClinGen allele CA5121280.

ClinVar aggregate classification (germline): Uncertain significance. Review status: criteria provided, multiple submitters, no conflicts (2 of 4 stars). 3 submissions from 3 submitters: Uncertain significance (3). Last evaluated 2025-10-19.

Conditions:
Neuropathy, hereditary sensory and autonomic, type 1A (HSAN1A). Also called: NEUROPATHY, HEREDITARY SENSORY AND AUTONOMIC, TYPE IA; SPTLC1-Related Hereditary Sensory Neuropathy; HSAN IA; HSN IA; NEUROPATHY, HEREDITARY SENSORY RADICULAR, AUTOSOMAL DOMINANT, TYPE 1A. Identifiers: MedGen C5235211, MONDO:0008086, OMIM 162400.
Inborn genetic diseases. Identifiers: MedGen C0950123, MeSH D030342.
Hereditary sensory and autonomic neuropathy type 1 (HSAN1). Also called: HSAN 1; HSN Type I; Hereditary Sensory Neuropathy Type I. Identifiers: Orphanet 36386, MedGen C0020071, MONDO:0018213.

Allele frequency attached by ClinVar (database versions not stated): gnomAD exomes 0.00003; gnomAD 0.00008 and 0.00007; ExAC 0.00002; TOPMed 0.00009.

Submissions (3):

Labcorp Genetics (formerly Invitae), Labcorp
Classification: Uncertain significance for Hereditary sensory and autonomic neuropathy type 1. Last evaluated: 2025-10-19. Review status: criteria provided, single submitter. Criteria: Invitae Variant Classification Sherloc (09022015). Collection method: clinical testing. Allele origin: germline.
Comment: This sequence change replaces arginine, which is basic and polar, with histidine, which is basic and polar, at codon 405 of the SPTLC1 protein (p.Arg405His). This variant is present in population databases (rs567541925, gnomAD 0.02%). This missense change has been observed in individual(s) with amyotrophic lateral sclerosis (ALS) (PMID: 36966328). ClinVar contains an entry for this variant (Variation ID: 526709). Invitae Evidence Modeling of protein sequence and biophysical properties (such as structural, functional, and spatial information, amino acid conservation, physicochemical variation, residue mobility, and thermodynamic stability) has been performed for this missense variant. However, the output from this modeling did not meet the statistical confidence thresholds required to predict the impact of this variant on SPTLC1 protein function. In summary, the available evidence is currently insufficient to determine the role of this variant in disease. Therefore, it has been classified as a Variant of Uncertain Significance.

Ambry Genetics
Classification: Uncertain significance for Inborn genetic diseases. Last evaluated: 2022-04-25. Review status: criteria provided, single submitter. Criteria: Ambry Variant Classification Scheme 2023. Collection method: clinical testing. Allele origin: germline.
Comment: The p.R405H variant (also known as c.1214G>A), located in coding exon 13 of the SPTLC1 gene, results from a G to A substitution at nucleotide position 1214. The arginine at codon 405 is replaced by histidine, an amino acid with highly similar properties. This amino acid position is conserved. In addition, this alteration is predicted to be deleterious by in silico analysis. Since supporting evidence is limited at this time, the clinical significance of this alteration remains unclear.

Fulgent Genetics
Classification: Uncertain significance for Neuropathy, hereditary sensory and autonomic, type 1A. Last evaluated: 2018-10-31. Review status: criteria provided, single submitter. Criteria: ACMG Guidelines, 2015. Collection method: clinical testing. Allele origin: unknown.

Literature cited by the submitters: PubMed 36966328 (cited by Labcorp Genetics (formerly Invitae), Labcorp).